The following is an entry in ClinVar:

ClinVar aggregate classification (germline): Conflicting classifications of pathogenicity. Review status: criteria provided, conflicting classifications (1 of 4 stars). 2 submissions from 2 submitters: Uncertain significance (1); Likely benign (1). Last evaluated 2023-06-29.

Conditions:
Long QT syndrome (LQTS). Identifiers: MedGen C0023976, MeSH D008133, MONDO:0002442. Disease mechanism: loss of function. Inheritance: Various modes of inheritance.
Cardiovascular phenotype. Identifiers: MedGen CN230736.

Allele frequency attached by ClinVar (database versions not stated): TOPMed 0.00002.
gnomAD v4.1: 22 of 1,613,858 alleles (0.0014%); highest among the groups gnomAD compares: Admixed American, 0.0033%; no homozygotes.

Submissions (2):

Ambry Genetics
Classification: Likely benign for Cardiovascular phenotype. Last evaluated: 2023-06-29. Review status: criteria provided, single submitter. Criteria: Ambry Variant Classification Scheme 2023. Collection method: clinical testing. Allele origin: germline.

Labcorp Genetics (formerly Invitae), Labcorp
Classification: Uncertain significance for Long QT syndrome. Last evaluated: 2022-04-20. Review status: criteria provided, single submitter. Criteria: Invitae Variant Classification Sherloc (09022015). Collection method: clinical testing. Allele origin: germline.
Comment: This variant is present in population databases (rs139007578, gnomAD 0.006%). In summary, the available evidence is currently insufficient to determine the role of this variant in disease. Therefore, it has been classified as a Variant of Uncertain Significance. Algorithms developed to predict the effect of missense changes on protein structure and function are either unavailable or do not agree on the potential impact of this missense change (SIFT: "Tolerated"; PolyPhen-2: "Probably Damaging"; Align-GVGD: "Class C0"). ClinVar contains an entry for this variant (Variation ID: 940306). This variant has not been reported in the literature in individuals affected with ANK2-related conditions. This sequence change replaces alanine, which is neutral and non-polar, with glycine, which is neutral and non-polar, at codon 3054 of the ANK2 protein (p.Ala3054Gly).

NM_001148.6(ANK2):c.9161C>G (p.Ala3054Gly)

Gene: ANK2 (ankyrin 2; plus strand). Cytogenetic location: 4q26.
Variant type: single nucleotide variant.
Coding change: c.9161C>G on transcript NM_001148.6 (MANE Select); coding-DNA position 9161, C replaced by G.
Protein change: p.Ala3054Gly; replaces alanine 3054 with glycine.
Molecular consequence: missense variant. On other transcripts: intron variant (68).
Genome position (GRCh38, 1-based): chr4:113,357,779, C>G. VCF-style: chr4-113357779-C-G. GRCh37 (hg19) VCF-style: chr4-114278935-C-G.
Other names: c.8927C>G, p.Ala2976Gly (NM_001386142.1); c.5561C>G, p.Ala1854Gly (NM_001386166.1); c.9302C>G, p.Ala3101Gly (NM_001386174.1); c.9278C>G, p.Ala3093Gly (NM_001386175.1); c.4412-3044C>G (NM_001386186.2, NM_001386148.2); c.4214-3044C>G (NM_001354269.3); c.4292-3044C>G (NM_001386187.2); c.4253-3044C>G (NM_001386147.1); and 35 more; short protein forms A3054G, A1854G, A2976G, A3093G, A3101G.
Identifiers: ClinVar variation 940306 (VCV000940306.8), dbSNP rs139007578, ClinGen allele CA3051876.